The following is an entry in ClinVar:

NM_001122630.2(CDKN1C):c.455CTCCGGTCGCGG[2] (p.152APVA[2])

Gene: CDKN1C (cyclin dependent kinase inhibitor 1C; minus strand). Cytogenetic location: 11p15.4.
Variant type: Microsatellite.
Coding change: c.455CTCCGGTCGCGG[2] on transcript NM_001122630.2 (MANE Select); two copies in a row of the 12-base unit CTCCGGTCGCGG starting at c.455; the reference has three copies in a row; one copy, 12 bases deleted.
Protein change: p.152APVA[2].
Molecular consequence: inframe deletion. On other transcripts: intron variant (1).
Genome position (GRCh38, 1-based): chr11:2,884,967-2,884,978, CCGCGACCGGAG deleted on the plus strand (CTCCGGTCGCGG on the coding strand, the reverse complement: CDKN1C is on the minus strand); deleting any 12 consecutive bases within chr11:2,884,967-2,885,005 gives the same sequence; the position shown is the placement nearest the transcript's 3' end. VCF-style (leftmost placement, unchanged base first): chr11-2884966-ACCGCGACCGGAG-A. GRCh37 (hg19) VCF-style: chr11-2906196-ACCGCGACCGGAG-A.
Other names: c.512_523delCTCCGGTCGCGG (NM_000076.2); c.488CTCCGGTCGCGG[2], p.163APVA[2] (NM_000076.2, NM_001362474.2); c.455CTCCGGTCGCGG[2], p.152APVA[2] (NM_001122631.2); c.255+200CTCCGGTCGCGG[2] (NM_001362475.2); c.512_523del12 (NM_000076.2).
Identifiers: ClinVar variation 193042 (VCV000193042.34), dbSNP rs565544512, ClinGen allele CA200279.

ClinVar aggregate classification (germline): Benign/Likely benign. Review status: criteria provided, multiple submitters, no conflicts (2 of 4 stars). 11 submissions from 11 submitters: Benign (7); Likely benign (1). 3 of the submissions do not count toward it. Last evaluated 2026-02-04.

Conditions:
CDKN1C-related disorder. Also called: CDKN1C-related condition.
Inborn genetic diseases. Identifiers: MedGen C0950123, MeSH D030342.
Beckwith-Wiedemann syndrome (BWS). Also called: Exomphalos macroglossia gigantism syndrome; EMG SYNDROME. Identifiers: Orphanet 116, MedGen C0004903, MONDO:0007534, OMIM 130650.

Submissions (11):

Labcorp Genetics (formerly Invitae), Labcorp
Classification: Benign for Beckwith-Wiedemann syndrome. Last evaluated: 2026-02-04. Review status: criteria provided, single submitter. Criteria: Invitae Variant Classification Sherloc (09022015). Collection method: clinical testing. Allele origin: germline.

CeGaT Center for Human Genetics Tuebingen
Classification: Benign. Last evaluated: 2025-11-01. Review status: criteria provided, single submitter. Criteria: CeGaT Center For Human Genetics Tuebingen Variant Classification Criteria Version 2. Collection method: clinical testing. Allele origin: germline. Affected: yes. Observed: 1 variant allele.
Comment: CDKN1C: BS1, BS2

Blueprint Genetics
Classification: Benign. Last evaluated: 2024-11-27. Review status: criteria provided, single submitter. Criteria: ACMG Guidelines, 2015. Collection method: clinical testing. Allele origin: germline.

Ambry Genetics
Classification: Likely benign for Inborn genetic diseases. Last evaluated: 2022-08-18. Review status: criteria provided, single submitter. Criteria: Ambry Variant Classification Scheme 2023. Collection method: clinical testing. Allele origin: germline.

Sema4
Classification: Benign for Beckwith-Wiedemann syndrome. Last evaluated: 2019-12-09. Review status: criteria provided, single submitter. Criteria: Sema4 Curation Guidelines. Collection method: curation. Allele origin: germline.

GeneDx
Classification: Benign. Last evaluated: 2019-01-14. Review status: criteria provided, single submitter. Criteria: GeneDx Variant Classification Process June 2021. Collection method: clinical testing. Allele origin: germline. Affected: yes.
Comment: This variant is associated with the following publications: (PMID: 20503313, 8655143)

Eurofins Ntd Llc (ga)
Classification: Benign. Last evaluated: 2017-11-07. Review status: criteria provided, single submitter. Criteria: EGL Classification Definitions 2015. Collection method: clinical testing. Allele origin: germline. Observed: 76 variant alleles, 57 heterozygotes, 19 homozygotes.

Genetic Services Laboratory, University of Chicago
Classification: Benign. Last evaluated: 2014-07-16. Review status: criteria provided, single submitter. Criteria: ACMG Guidelines, 2015. Collection method: clinical testing. Allele origin: germline.

PreventionGenetics, part of Exact Sciences
Classification: Benign for CDKN1C-related condition. Last evaluated: 2024-09-19. Review status: no assertion criteria provided. Collection method: clinical testing. Allele origin: germline. Not counted in ClinVar's aggregate classification.
Comment: This variant is classified as benign based on ACMG/AMP sequence variant interpretation guidelines (Richards et al. 2015 PMID: 25741868, with internal and published modifications).

Genome Diagnostics Laboratory, University Medical Center Utrecht
Classification: Benign. Review status: no assertion criteria provided. Collection method: clinical testing. Allele origin: germline. Affected: yes. Study: VKGL Data-share Consensus. Not counted in ClinVar's aggregate classification.

Laboratory of Diagnostic Genome Analysis, Leiden University Medical Center (LUMC)
Classification: Likely benign. Review status: no assertion criteria provided. Collection method: clinical testing. Allele origin: germline. Affected: yes. Study: VKGL Data-share Consensus. Not counted in ClinVar's aggregate classification.